The following is an entry in ClinVar:

ClinVar aggregate classification (germline): Likely benign. Review status: criteria provided, multiple submitters, no conflicts (2 of 4 stars). 3 submissions from 3 submitters: Likely benign (2). 1 of the submissions does not count toward it. Last evaluated 2025-09-05.

Conditions:
RYR1-related disorder. Also called: RYR1-related condition; RYR1-related disorders. Identifiers: MedGen CN239331.

Allele frequency attached by ClinVar (database versions not stated): gnomAD 0.00001; TOPMed 0.00001; ExAC 0.00002; gnomAD exomes 0.00002.
gnomAD v4.1: 27 of 1,613,914 alleles (0.0017%); highest among the groups gnomAD compares: Non-Finnish European, 0.0022%; no homozygotes.

Submissions (3):

Labcorp Genetics (formerly Invitae), Labcorp
Classification: Likely benign for RYR1-related disorder. Last evaluated: 2025-09-05. Review status: criteria provided, single submitter. Criteria: Invitae Variant Classification Sherloc (09022015). Collection method: clinical testing. Allele origin: germline.

Blueprint Genetics
Classification: Likely benign. Last evaluated: 2024-09-18. Review status: criteria provided, single submitter. Criteria: ACMG Guidelines, 2015. Collection method: clinical testing. Allele origin: germline.

PreventionGenetics, part of Exact Sciences
Classification: Likely benign for RYR1-related condition. Last evaluated: 2023-02-15. Review status: no assertion criteria provided. Collection method: clinical testing. Allele origin: germline. Not counted in ClinVar's aggregate classification.
Comment: This variant is classified as likely benign based on ACMG/AMP sequence variant interpretation guidelines (Richards et al. 2015 PMID: 25741868, with internal and published modifications).

NM_000540.3(RYR1):c.6548+7C>T

Gene: RYR1 (ryanodine receptor 1; plus strand). Cytogenetic location: 19q13.2.
Variant type: single nucleotide variant.
Coding change: c.6548+7C>T on transcript NM_000540.3 (MANE Select); 7 bases into the intron after coding-DNA position 6548, C replaced by T.
Molecular consequence: intron variant.
Genome position (GRCh38, 1-based): chr19:38,494,632, C>T. VCF-style: chr19-38494632-C-T. GRCh37 (hg19) VCF-style: chr19-38985272-C-T.
Other names: c.6548+7C>T (NM_001042723.2, NM_000540.2).
Identifiers: ClinVar variation 3018419 (VCV003018419.6), dbSNP rs773289815, ClinGen allele CA068377.
Genomic context (GRCh38, chr19:38,494,632, plus strand): 5'-GCTCATCGTGCAGATGGGCCCCCAGGAGGAGAACCTCATGATCCAGAGCATCGGGTGAGA[C>T]ACCGCCCTTCCCCCTTACTTTGCATATCCCCTTGGGTAATGAATACCCTCAGGATACAAT-3'